The following is an entry in ClinVar:

ClinVar aggregate classification (germline): Benign. Review status: criteria provided, multiple submitters, no conflicts (2 of 4 stars). 4 submissions from 4 submitters: Benign (4). Last evaluated 2026-02-01.

Conditions:
Congenital microvillous atrophy (DIAR2). Also called: DAVIDSON DISEASE; MICROVILLUS ATROPHY, CONGENITAL; Microvillus inclusion disease; Diarrhea 2 with microvillus atrophy, with or without cholestasis; CONGENITAL FAMILIAL PROTRACTED DIARRHEA WITH ENTEROCYTE BRUSH-BORDER ABNORMALITIES. Identifiers: Orphanet 2290, MedGen C0341306, MONDO:0009635, OMIM 251850.

Allele frequency attached by ClinVar (database versions not stated): 1000 Genomes Project 30x 0.01249; 1000 Genomes Project 0.01258; TOPMed 0.01536; ESP Exome Variant Server 0.01552; gnomAD 0.01741 and 0.01793; ExAC 0.02085; gnomAD exomes 0.02115 and 0.02675.
gnomAD v4.1: 41,604 of 1,614,078 alleles (2.6%); highest among the groups gnomAD compares: South Asian, 3.7%; 589 homozygotes.

Submissions (4):

Labcorp Genetics (formerly Invitae), Labcorp
Classification: Benign. Last evaluated: 2026-02-01. Review status: criteria provided, single submitter. Criteria: Invitae Variant Classification Sherloc (09022015). Collection method: clinical testing. Allele origin: germline.

Mayo Clinic Laboratories, Mayo Clinic
Classification: Benign. Last evaluated: 2023-12-08. Review status: criteria provided, single submitter. Criteria: ACMG Guidelines, 2015. Collection method: clinical testing. Allele origin: germline. Observed: 5 variant alleles.
Comment: BS1, BS2, PP3

Illumina Laboratory Services, Illumina
Classification: Benign for Congenital microvillous atrophy. Last evaluated: 2018-01-12. Review status: criteria provided, single submitter. Criteria: ICSL Variant Classification Criteria 13 December 2019. Collection method: clinical testing. Allele origin: germline.
Comment: This variant was observed in the ICSL laboratory as part of a predisposition screen in an ostensibly healthy population. It had not been previously curated by ICSL or reported in the Human Gene Mutation Database (HGMD: prior to June 1st, 2018), and was therefore a candidate for classification through an automated scoring system. Utilizing variant allele frequency, disease prevalence and penetrance estimates, and inheritance mode, an automated score was calculated to assess if this variant is too frequent to cause the disease. Based on the score and internal cut-off values, a variant classified as benign is not then subjected to further curation. The score for this variant resulted in a classification of benign for this disease.

Breakthrough Genomics
Classification: Benign. Review status: criteria provided, single submitter. Criteria: ACMG Guidelines, 2015. Collection method: not provided. Allele origin: germline. Inheritance: Autosomal recessive inheritance. Affected: yes.

Literature cited by the submitters: PubMed 33462484 (cited by Mayo Clinic Laboratories, Mayo Clinic).

NM_001080467.3(MYO5B):c.176T>C (p.Leu59Pro)

Gene: MYO5B (myosin VB; minus strand). Cytogenetic location: 18q21.1.
Variant type: single nucleotide variant.
Coding change: c.176T>C on transcript NM_001080467.3 (MANE Select); coding-DNA position 176, T replaced by C.
Protein change: p.Leu59Pro; replaces leucine 59 with proline.
Molecular consequence: missense variant.
Genome position (GRCh38, 1-based): chr18:50,040,277, A>G on the plus strand (T>C on the coding strand, the complement: MYO5B is on the minus strand). VCF-style: chr18-50040277-A-G. GRCh37 (hg19) VCF-style: chr18-47566647-A-G.
Other names: p.Leu59Pro; short protein forms L59P.
Identifiers: ClinVar variation 327089 (VCV000327089.15), dbSNP rs78626055, ClinGen allele CA8961954.